The following is an entry in ClinVar:

NM_000350.3(ABCA4):c.1034A>C (p.Tyr345Ser)

Gene: ABCA4 (ATP binding cassette subfamily A member 4; minus strand). Cytogenetic location: 1p22.1.
Variant type: single nucleotide variant.
Coding change: c.1034A>C on transcript NM_000350.3 (MANE Select); coding-DNA position 1034, A replaced by C.
Protein change: p.Tyr345Ser; replaces tyrosine 345 with serine.
Molecular consequence: missense variant.
Genome position (GRCh38, 1-based): chr1:94,080,543, T>G on the plus strand (A>C on the coding strand, the complement: ABCA4 is on the minus strand). VCF-style: chr1-94080543-T-G. GRCh37 (hg19) VCF-style: chr1-94546099-T-G.
Other names: c.1034A>C, p.Tyr345Ser (NM_001425324.1); short protein forms Y345S.
Identifiers: ClinVar variation 3720227 (VCV003720227.3).

ClinVar aggregate classification (germline): Conflicting classifications of pathogenicity. Review status: criteria provided, conflicting classifications (1 of 4 stars). 2 submissions from 2 submitters: Pathogenic (1); Uncertain significance (1). Last evaluated 2024-04-03.

Conditions:
Retinitis pigmentosa 19 (RP19). Also called: ABCA4-Related Retinitis Pigmentosa. Identifiers: Orphanet 791, MedGen C1866422, MONDO:0011137, OMIM 601718.

gnomAD v4.1: 1 of 1,614,118 alleles (0.000062%); highest among the groups gnomAD compares: East Asian, 0.0022%; no homozygotes.

Submissions (2):

Labcorp Genetics (formerly Invitae), Labcorp
Classification: Pathogenic. Last evaluated: 2024-04-03. Review status: criteria provided, single submitter. Criteria: Invitae Variant Classification Sherloc (09022015). Collection method: clinical testing. Allele origin: germline.
Comment: This sequence change replaces tyrosine, which is neutral and polar, with serine, which is neutral and polar, at codon 345 of the ABCA4 protein (p.Tyr345Ser). This variant is not present in population databases (gnomAD no frequency). This missense change has been observed in individual(s) with Stargardt disease (PMID: 26780318, 33732702). Advanced modeling of protein sequence and biophysical properties (such as structural, functional, and spatial information, amino acid conservation, physicochemical variation, residue mobility, and thermodynamic stability) performed at Invitae indicates that this missense variant is expected to disrupt ABCA4 protein function with a positive predictive value of 80%. This variant disrupts the p.Tyr345 amino acid residue in ABCA4. Other variant(s) that disrupt this residue have been determined to be pathogenic (PMID: 29925512, 33301772). This suggests that this residue is clinically significant, and that variants that disrupt this residue are likely to be disease-causing. For these reasons, this variant has been classified as Pathogenic.

3billion
Classification: Uncertain significance for Retinitis pigmentosa 19. Last evaluated: 2024-02-04. Review status: criteria provided, single submitter. Criteria: ACMG Guidelines, 2015. Collection method: clinical testing. Allele origin: germline. Affected: yes.
Comment: The variant is not observed in the gnomAD v2.1.1 dataset. Predicted Consequence/Location: Missense variant In silico tool predictions suggest damaging effect of the variant on gene or gene product [REVEL: 0.75 (>=0.6, sensitivity 0.68 and specificity 0.92); 3Cnet: 0.93 (>=0.6, sensitivity 0.72 and precision 0.9)]. Same nucleotide change resulting in same amino acid change has been previously reported to be associated with ABCA4 related disorder (PMID: 26780318). A different missense change at the same codon (p.Tyr345Cys) has been reported to be associated with ABCA4-related disorder (ClinVar ID: VCV000866242 /PMID: 28446513). However the evidence of pathogenicity is insufficient at this time. Therefore, this variant is classified as VUS according to the recommendation of ACMG/AMP guideline.

Literature cited by the submitters: PubMed 26780318 (cited by Labcorp Genetics (formerly Invitae), Labcorp and 3billion); PubMed 33732702 (cited by Labcorp Genetics (formerly Invitae), Labcorp); PubMed 29925512 (cited by Labcorp Genetics (formerly Invitae), Labcorp); PubMed 33301772 (cited by Labcorp Genetics (formerly Invitae), Labcorp); PubMed 28446513 (cited by 3billion).